The following is an entry in ClinVar:

ClinVar aggregate classification (germline): Uncertain significance (1 of 4 stars; one submission).

Conditions:
Glycogen storage disease IXa1. Also called: LIVER GLYCOGENOSIS, X-LINKED, TYPE I; GLYCOGEN STORAGE DISEASE VIII; GSD VIII; Glycogen storage disease 8. Identifiers: Orphanet 264580, MedGen C3694531, MONDO:0010598, OMIM 306000.

Submission:

Labcorp Genetics (formerly Invitae), Labcorp
Classification: Uncertain significance for Glycogen storage disease IXa1. Last evaluated: 2018-12-26. Review status: criteria provided, single submitter. Criteria: Invitae Variant Classification Sherloc (09022015). Collection method: clinical testing. Allele origin: germline.
Comment: This variant has been observed in an individual affected with glycogen storage disease and shown to segregate in the family (Invitae). In summary, the available evidence is currently insufficient to determine the role of this variant in disease. Therefore, it has been classified as a Variant of Uncertain Significance. This variant disrupts the p.Tyr116 amino acid residue in PHKA2. Another variant that disrupts this residue has been observed in affected individuals (PMID: 9870210), which suggests that this may be a clinically significant amino acid residue. Algorithms developed to predict the effect of missense changes on protein structure and function are either unavailable or do not agree on the potential impact of this missense change (SIFT: "Deleterious"; PolyPhen-2: "Probably Damaging"; Align-GVGD: "Class C0"). This variant is not present in population databases (ExAC no frequency). This sequence change replaces tyrosine with asparagine at codon 116 of the PHKA2 protein (p.Tyr116Asn). The tyrosine residue is highly conserved and there is a large physicochemical difference between tyrosine and asparagine.

Literature cited by the submitters: PubMed 9870210.

NM_000292.3(PHKA2):c.346T>A (p.Tyr116Asn)

Gene: PHKA2 (phosphorylase kinase regulatory subunit alpha 2; minus strand). Cytogenetic location: Xp22.13.
Variant type: single nucleotide variant.
Coding change: c.346T>A on transcript NM_000292.3 (MANE Select); coding-DNA position 346, T replaced by A.
Protein change: p.Tyr116Asn; replaces tyrosine 116 with asparagine.
Molecular consequence: missense variant.
Genome position (GRCh38, 1-based): chrX:18,951,212, A>T on the plus strand (T>A on the coding strand, the complement: PHKA2 is on the minus strand). VCF-style: chrX-18951212-A-T. GRCh37 (hg19) VCF-style: chrX-18969330-A-T.
Other names: short protein forms Y116N.
Identifiers: ClinVar variation 651936 (VCV000651936.8), dbSNP rs1601776489, ClinGen allele CA412375560.